The following is an entry in ClinVar:

NM_020921.4(NIN):c.3532G>A (p.Glu1178Lys)

Gene: NIN (ninein; minus strand). Cytogenetic location: 14q22.1.
Variant type: single nucleotide variant.
Coding change: c.3532G>A on transcript NM_020921.4 (MANE Select); coding-DNA position 3532, G replaced by A.
Protein change: p.Glu1178Lys; replaces glutamic acid 1178 with lysine.
Molecular consequence: missense variant. On other transcripts: intron variant (1).
Genome position (GRCh38, 1-based): chr14:50,757,498, C>T on the plus strand (G>A on the coding strand, the complement: NIN is on the minus strand). VCF-style: chr14-50757498-C-T. GRCh37 (hg19) VCF-style: chr14-51224216-C-T.
Other names: c.3532G>A, p.Glu1178Lys (NM_182944.3, NM_182946.2); c.2399+2359G>A (NM_016350.5); c.3532G>A (NM_020921.3); short protein forms E1178K.
Identifiers: ClinVar variation 2872060 (VCV002872060.4), dbSNP rs2042083081, ClinGen allele CA389697155.

ClinVar aggregate classification (germline): Uncertain significance. Review status: criteria provided, multiple submitters, no conflicts (2 of 4 stars). 2 submissions from 2 submitters: Uncertain significance (2). Last evaluated 2025-02-08.

Allele frequency attached by ClinVar (database versions not stated): TOPMed below 0.00001.
gnomAD v4.1: 3 of 1,614,078 alleles (0.00019%); highest among the groups gnomAD compares: African/African-American, 0.0013%; no homozygotes.

Submissions (2):

Ambry Genetics
Classification: Uncertain significance. Last evaluated: 2025-02-08. Review status: criteria provided, single submitter. Criteria: Ambry Variant Classification Scheme 2023. Collection method: clinical testing. Allele origin: germline.

Labcorp Genetics (formerly Invitae), Labcorp
Classification: Uncertain significance. Last evaluated: 2022-12-15. Review status: criteria provided, single submitter. Criteria: Invitae Variant Classification Sherloc (09022015). Collection method: clinical testing. Allele origin: germline.
Comment: In summary, the available evidence is currently insufficient to determine the role of this variant in disease. Therefore, it has been classified as a Variant of Uncertain Significance. Algorithms developed to predict the effect of missense changes on protein structure and function are either unavailable or do not agree on the potential impact of this missense change (SIFT: "Deleterious"; PolyPhen-2: "Possibly Damaging"; Align-GVGD: "Class C15"). This variant has not been reported in the literature in individuals affected with NIN-related conditions. This variant is not present in population databases (gnomAD no frequency). This sequence change replaces glutamic acid, which is acidic and polar, with lysine, which is basic and polar, at codon 1178 of the NIN protein (p.Glu1178Lys).